The following is an entry in ClinVar:

NM_000218.3(KCNQ1):c.781G>A (p.Glu261Lys)

Gene: KCNQ1 (potassium voltage-gated channel subfamily Q member 1; plus strand). Cytogenetic location: 11p15.5.
Variant type: single nucleotide variant.
Coding change: c.781G>A on transcript NM_000218.3 (MANE Select); coding-DNA position 781, G replaced by A.
Protein change: p.Glu261Lys; replaces glutamic acid 261 with lysine.
Molecular consequence: missense variant.
Genome position (GRCh38, 1-based): chr11:2,572,846, G>A. VCF-style: chr11-2572846-G-A. GRCh37 (hg19) VCF-style: chr11-2594076-G-A.
Other names: c.781G>A (LRG_287t1); c.781G>A, p.Glu261Lys (NM_001406836.1); c.511G>A, p.Glu171Lys (NM_001406837.1); c.400G>A, p.Glu134Lys (NM_181798.2); short protein forms E261K, E134K, E171K.
Identifiers: ClinVar variation 53103 (VCV000053103.10), dbSNP rs199472722, ClinGen allele CA008215.
Genomic context (GRCh38, chr11:2,572,846, plus strand): 5'-GCACAGGAGGCTCCCAGCCTGCGGTTCCTGGAGCCCGACACTGTGTGTTTTCTGGCCTAG[G>A]AGCTGATAACCACCCTGTACATCGGCTTCCTGGGCCTCATCTTCTCCTCGTACTTTGTGT-3'
Protein context (NP_000209.2, residues 251-271): LGSVVFIHRQ[Glu261Lys]LITTLYIGFL

ClinVar aggregate classification (germline): Pathogenic/Likely pathogenic. Review status: criteria provided, multiple submitters, no conflicts (2 of 4 stars). 3 submissions from 3 submitters: Pathogenic (1); Likely pathogenic (1). 1 of the submissions does not count toward it. Last evaluated 2026-01-26.

Conditions:
Cardiovascular phenotype. Identifiers: MedGen CN230736.
Familial long QT syndrome (RWS). Also called: Congenital long QT syndrome; Romano-Ward syndrome; VENTRICULAR FIBRILLATION WITH PROLONGED QT INTERVAL. Identifiers: Orphanet 768, MedGen C1141890, MONDO:0019171.
Long QT syndrome (LQTS). Identifiers: MedGen C0023976, MeSH D008133, MONDO:0002442. Disease mechanism: loss of function. Inheritance: Various modes of inheritance.

Submissions (3):

Labcorp Genetics (formerly Invitae), Labcorp
Classification: Pathogenic for Long QT syndrome. Last evaluated: 2026-01-26. Review status: criteria provided, single submitter. Criteria: Invitae Variant Classification Sherloc (09022015). Collection method: clinical testing. Allele origin: germline.
Comment: This sequence change replaces glutamic acid, which is acidic and polar, with lysine, which is basic and polar, at codon 261 of the KCNQ1 protein (p.Glu261Lys). This variant is not present in population databases (gnomAD no frequency). This missense change has been observed in individuals with prolonged QT interval (PMID: 9386136; internal data). ClinVar contains an entry for this variant (Variation ID: 53103). Invitae Evidence Modeling of protein sequence and biophysical properties (such as structural, functional, and spatial information, amino acid conservation, physicochemical variation, residue mobility, and thermodynamic stability) indicates that this missense variant is expected to disrupt KCNQ1 protein function with a positive predictive value of 95%. Experimental studies have shown that this missense change affects KCNQ1 function (PMID: 10409658, 15935335). Algorithms developed to predict the effect of sequence changes on RNA splicing suggest that this variant may disrupt the consensus splice site. This variant disrupts the p.Glu261 amino acid residue in KCNQ1. Other variant(s) that disrupt this residue have been determined to be pathogenic (PMID: 10704188, 11530100, 15935335, 26675252; internal data). This suggests that this residue is clinically significant, and that variants that disrupt this residue are likely to be disease-causing. For these reasons, this variant has been classified as Pathogenic.

Ambry Genetics
Classification: Likely pathogenic for Cardiovascular phenotype. Last evaluated: 2024-01-17. Review status: criteria provided, single submitter. Criteria: Ambry Variant Classification Scheme 2023. Collection method: clinical testing. Allele origin: germline.
Comment: The p.E261K variant (also known as c.781G>A) is located in coding exon 6 of the KCNQ1 gene. The glutamic acid at codon 261 is replaced by lysine, an amino acid with similar properties. This change occurs in the first base pair of coding exon 6. This variant has been reported in individuals with features consistent with long QT syndrome (Donger C et al. Circulation, 1997 Nov;96:2778-81; Schwartz PJ et al. Eur Heart J, 2021 Dec;42:4743-4755; Singer ES et al. NPJ Genom Med, 2023 Oct;8:29; Ambry internal data). In assays testing KCNQ1 function, this variant showed functionally abnormal results (Franqueza L et al. J Biol Chem, 1999 Jul;274:21063-70; Wilson AJ et al. Cardiovasc Res, 2005 Aug;67:476-86; Hou P et al. Nat Commun, 2020 Feb;11:676). RNA studies by one group indicated that this variant may result aberrant splicing (Singer ES et al. NPJ Genom Med, 2023 Oct;8:29). This variant is considered to be rare based on population cohorts in the Genome Aggregation Database (gnomAD). This amino acid position is highly conserved in available vertebrate species. In addition, this alteration is predicted to be deleterious by in silico analysis. Based on the majority of available evidence to date, this variant is likely to be pathogenic.

Cardiovascular Biomedical Research Unit, Royal Brompton & Harefield NHS Foundation Trust
No classification provided. Condition: Familial long QT syndrome. Review status: no classification provided. Collection method: literature only. Allele origin: germline. Not counted in ClinVar's aggregate classification.
Comment: This variant has been reported as associated with Long QT syndrome in the following publications (PMID:9386136;PMID:10409658;PMID:15935335). This is a literature report, and does not necessarily reflect the clinical interpretation of the Imperial College / Royal Brompton Cardiovascular Genetics laboratory.

Literature cited by the submitters: PubMed 9386136 (cited by 3 submitters); PubMed 10409658 (cited by 3 submitters); PubMed 15935335 (cited by 3 submitters); PubMed 10704188 (cited by Labcorp Genetics (formerly Invitae), Labcorp); PubMed 11530100 (cited by Labcorp Genetics (formerly Invitae), Labcorp); PubMed 26675252 (cited by Labcorp Genetics (formerly Invitae), Labcorp); PubMed 32015334 (cited by Ambry Genetics); PubMed 34505893 (cited by Ambry Genetics); PubMed 37821546 (cited by Ambry Genetics); PubMed 22581653 (cited by Cardiovascular Biomedical Research Unit, Royal Brompton & Harefield NHS Foundation Trust).